The following is an entry in ClinVar:

ClinVar aggregate classification (germline): Likely benign. Review status: criteria provided, multiple submitters, no conflicts (2 of 4 stars). 3 submissions from 3 submitters: Likely benign (3). Last evaluated 2026-02-17.

Conditions:
Frontotemporal dementia and/or amyotrophic lateral sclerosis 4. Also called: FTDALS4. Identifiers: Orphanet 275872, MedGen C4225325, MONDO:0014641, OMIM 616439.

Submissions (3):

Women's Health and Genetics/Laboratory Corporation of America, LabCorp
Classification: Likely benign. Last evaluated: 2026-02-17. Review status: criteria provided, single submitter. Criteria: LabCorp Variant Classification Summary - May 2015. Collection method: clinical testing. Allele origin: germline.
Comment: Variant summary: TBK1 c.1862+13_1862+15delCTT alters a non-conserved nucleotide located at a position not widely known to affect splicing. Consensus agreement among computation tools predict no significant impact on normal splicing. However, these predictions have yet to be confirmed by functional studies. The variant allele was found at a frequency of 6e-05 in 248798 control chromosomes. This frequency is not significantly higher than estimated for disease-causing variants in TBK1, allowing no conclusion about variant significance. To our knowledge, no occurrence of c.1862+13_1862+15delCTT in individuals affected with TBK1-related conditions and no experimental evidence demonstrating its impact on protein function have been reported. ClinVar contains an entry for this variant (Variation ID: 1972293). Based on the evidence outlined above, the variant was classified as likely benign.

Blueprint Genetics
Classification: Likely benign. Last evaluated: 2024-11-07. Review status: criteria provided, single submitter. Criteria: ACMG Guidelines, 2015. Collection method: clinical testing. Allele origin: germline.

Labcorp Genetics (formerly Invitae), Labcorp
Classification: Likely benign for Frontotemporal dementia and/or amyotrophic lateral sclerosis 4. Last evaluated: 2022-03-28. Review status: criteria provided, single submitter. Criteria: Invitae Variant Classification Sherloc (09022015). Collection method: clinical testing. Allele origin: germline.

NM_013254.4(TBK1):c.1862+13_1862+15del

Gene: TBK1 (TANK binding kinase 1; plus strand). Cytogenetic location: 12q14.2.
Variant type: Microsatellite.
Coding change: c.1862+13_1862+15del on transcript NM_013254.4 (MANE Select); bases 13 to 15 of the intron after coding-DNA position 1862, 3 bases deleted (CTT; older notation c.1862+13_1862+15delCTT).
Molecular consequence: intron variant.
Genome position (GRCh38, 1-based): chr12:64,497,063-64,497,065, CTT deleted; deleting any 3 consecutive bases within chr12:64,497,060-64,497,065 gives the same sequence; the c. name uses the placement nearest the transcript's 3' end. VCF-style (leftmost placement, unchanged base first): chr12-64497059-ACTT-A. GRCh37 (hg19) VCF-style: chr12-64890839-ACTT-A.
Other names: c.1862+13_1862+15delCTT (NM_013254.4).
Identifiers: ClinVar variation 1972293 (VCV001972293.7), dbSNP rs780184060, ClinGen allele CA6669175.